The following is an entry in ClinVar:

NM_022340.4(RBSN):c.840+7C>T

Gene: RBSN (rabenosyn, RAB effector; minus strand). Cytogenetic location: 3p25.1.
Variant type: single nucleotide variant.
Coding change: c.840+7C>T on transcript NM_022340.4 (MANE Select); 7 bases into the intron after coding-DNA position 840, C replaced by T.
Molecular consequence: intron variant.
Genome position (GRCh38, 1-based): chr3:15,082,360, G>A on the plus strand (C>T on the coding strand, the complement: RBSN is on the minus strand). VCF-style: chr3-15082360-G-A. GRCh37 (hg19) VCF-style: chr3-15123867-G-A.
Other names: c.840+7C>T (NM_001302378.2).
Identifiers: ClinVar variation 786002 (VCV000786002.5), dbSNP rs116452109, ClinGen allele CA2273569.

ClinVar aggregate classification (germline): Benign/Likely benign. Review status: criteria provided, multiple submitters, no conflicts (2 of 4 stars). 3 submissions from 3 submitters: Benign (2); Likely benign (1). Last evaluated 2026-09-01.

Allele frequency attached by ClinVar (database versions not stated): gnomAD exomes 0.00088; ExAC 0.00101; TOPMed 0.00299; ESP Exome Variant Server 0.00338; gnomAD 0.00363; 1000 Genomes Project 0.00499; 1000 Genomes Project 30x 0.00500.

Submissions (3):

CeGaT Center for Human Genetics Tuebingen
Classification: Likely benign. Last evaluated: 2026-09-01. Review status: criteria provided, single submitter. Criteria: CeGaT Center For Human Genetics Tuebingen Variant Classification Criteria Version 2. Collection method: clinical testing. Allele origin: germline. Affected: yes. Observed: 1 variant allele.
Comment: RBSN: BP4, BS1

Labcorp Genetics (formerly Invitae), Labcorp
Classification: Benign. Last evaluated: 2018-09-24. Review status: criteria provided, single submitter. Criteria: Invitae Variant Classification Sherloc (09022015). Collection method: clinical testing. Allele origin: germline.

Breakthrough Genomics
Classification: Benign. Review status: criteria provided, single submitter. Criteria: ACMG Guidelines, 2015. Collection method: not provided. Allele origin: germline. Inheritance: Unknown mechanism. Affected: yes.